The following is an entry in ClinVar:

ClinVar aggregate classification (germline): Likely pathogenic. Review status: reviewed by expert panel (3 of 4 stars). 4 submissions from 4 submitters: Likely pathogenic (1). 3 of the submissions do not count toward it. Last evaluated 2018-08-10.

Conditions:
Phenylketonuria (PKU). Also called: Phenylketonuria (PKU); FOLLING DISEASE; OLIGOPHRENIA PHENYLPYRUVICA; Phenylketonurias. Identifiers: Orphanet 716, MedGen C0031485, MONDO:0009861, OMIM 261600. Disease mechanism: loss of function.

Allele frequency attached by ClinVar (database versions not stated): TOPMed below 0.00001; gnomAD 0.00001.
gnomAD v4.1: 1 of 1,613,944 alleles (0.000062%); highest among the groups gnomAD compares: Non-Finnish European, 0.000085%; no homozygotes.

Submissions (4):

ClinGen PAH Variant Curation Expert Panel
Classification: Likely pathogenic for Phenylketonuria. Last evaluated: 2018-08-10. Review status: reviewed by expert panel. Criteria: ClinGen PAH ACMG Specifications v1. Collection method: curation. Allele origin: germline. Inheritance: Autosomal recessive inheritance.
Comment: PAH-specific ACMG/AMP criteria applied: PM2: Absent from ExAC, gnomAD, 1000G, ESP; PP3: Deleterious effect predicted in SIFT, Polyphen-2, MutationTaster. REVEL=0.929; PP4_Moderate: Detected in 1 PKU patient, primary BH4 deficiency excluded. Upgraded per ClinGen PAH EP. (PMID:23430918); PM3: Detected with c.1066-11G>A (P) (PMID:23430918). In summary this variant meets criteria to be classified as likely pathogenic for phenylketonuria in an autosomal recessive manner based on the ACMG/AMP criteria applied as specified by the PAH Expert Panel: (PM2, PP3, PP4_Moderate, PM3).

Labcorp Genetics (formerly Invitae), Labcorp
Classification: Pathogenic for Phenylketonuria. Last evaluated: 2022-08-24. Review status: criteria provided, single submitter. Criteria: Invitae Variant Classification Sherloc (09022015). Collection method: clinical testing. Allele origin: germline. Not counted in ClinVar's aggregate classification.
Comment: For these reasons, this variant has been classified as Pathogenic. This variant disrupts the p.Tyr179 amino acid residue in PAH. Other variant(s) that disrupt this residue have been observed in individuals with PAH-related conditions (PMID: 16256386, 23430918), which suggests that this may be a clinically significant amino acid residue. Advanced modeling of protein sequence and biophysical properties (such as structural, functional, and spatial information, amino acid conservation, physicochemical variation, residue mobility, and thermodynamic stability) performed at Invitae indicates that this missense variant is expected to disrupt PAH protein function. ClinVar contains an entry for this variant (Variation ID: 102729). This missense change has been observed in individual(s) with clinical features of PAH-related conditions (PMID: 23430918; Invitae). This variant is not present in population databases (gnomAD no frequency). This sequence change replaces tyrosine, which is neutral and polar, with asparagine, which is neutral and polar, at codon 179 of the PAH protein (p.Tyr179Asn).

Eurofins Ntd Llc (ga)
Classification: Uncertain significance. Last evaluated: 2015-09-29. Review status: criteria provided, single submitter. Criteria: EGL Classification Definitions 2015. Collection method: clinical testing. Allele origin: germline. Observed: 1 variant allele, 1 heterozygote. Not counted in ClinVar's aggregate classification.

DeBelle Laboratory for Biochemical Genetics, MUHC/MCH RESEARCH INSTITUTE
No classification provided. Review status: no classification provided. Collection method: not provided. Allele origin: not provided. Not counted in ClinVar's aggregate classification.

Literature cited by the submitters: PubMed 23430918 (cited by ClinGen PAH Variant Curation Expert Panel and Labcorp Genetics (formerly Invitae), Labcorp); PubMed 16256386 (cited by Labcorp Genetics (formerly Invitae), Labcorp).

NM_000277.3(PAH):c.535T>A (p.Tyr179Asn)

Gene: PAH (phenylalanine hydroxylase; minus strand). Cytogenetic location: 12q23.2.
Variant type: single nucleotide variant.
Coding change: c.535T>A on transcript NM_000277.3 (MANE Select); coding-DNA position 535, T replaced by A.
Protein change: p.Tyr179Asn; replaces tyrosine 179 with asparagine.
Molecular consequence: missense variant.
Genome position (GRCh38, 1-based): chr12:102,855,307, A>T on the plus strand (T>A on the coding strand, the complement: PAH is on the minus strand). VCF-style: chr12-102855307-A-T. GRCh37 (hg19) VCF-style: chr12-103249085-A-T.
Other names: NM_000277.2(PAH):c.535T>A; c.535T>A, p.Tyr179Asn (NM_001354304.2); short protein forms Y179N.
Identifiers: ClinVar variation 102729 (VCV000102729.15), dbSNP rs199475671, ClinGen allele CA229613.